The following is an entry in ClinVar:

ClinVar aggregate classification (germline): Uncertain significance. Review status: criteria provided, multiple submitters, no conflicts (2 of 4 stars). 3 submissions from 3 submitters: Uncertain significance (3). Last evaluated 2025-05-07.

Conditions:
Hereditary cancer-predisposing syndrome. Also called: Neoplastic Syndromes, Hereditary; Tumor predisposition; Hereditary Cancer Syndrome; Hereditary neoplastic syndrome. Identifiers: Orphanet 140162, MedGen C0027672, MeSH D009386, MONDO:0015356.

gnomAD v4.1: 4 of 1,614,144 alleles (0.00025%); highest among the groups gnomAD compares: Admixed American, 0.0017%; no homozygotes.

Submissions (3):

Labcorp Genetics (formerly Invitae), Labcorp
Classification: Uncertain significance. Last evaluated: 2025-05-07. Review status: criteria provided, single submitter. Criteria: Invitae Variant Classification Sherloc (09022015). Collection method: clinical testing. Allele origin: germline.
Comment: This sequence change replaces alanine, which is neutral and non-polar, with serine, which is neutral and polar, at codon 235 of the CTNNA1 protein (p.Ala235Ser). This variant is present in population databases (no rsID available, gnomAD 0.003%). This variant has not been reported in the literature in individuals affected with CTNNA1-related conditions. ClinVar contains an entry for this variant (Variation ID: 651110). Invitae Evidence Modeling of protein sequence and biophysical properties (such as structural, functional, and spatial information, amino acid conservation, physicochemical variation, residue mobility, and thermodynamic stability) indicates that this missense variant is not expected to disrupt CTNNA1 protein function with a negative predictive value of 80%. In summary, the available evidence is currently insufficient to determine the role of this variant in disease. Therefore, it has been classified as a Variant of Uncertain Significance.

Ambry Genetics
Classification: Uncertain significance for Hereditary cancer-predisposing syndrome. Last evaluated: 2023-10-24. Review status: criteria provided, single submitter. Criteria: Ambry Variant Classification Scheme 2023. Collection method: clinical testing. Allele origin: germline.
Comment: The p.A235S variant (also known as c.703G>T), located in coding exon 5 of the CTNNA1 gene, results from a G to T substitution at nucleotide position 703. The alanine at codon 235 is replaced by serine, an amino acid with similar properties. In one study, this alteration was identified in 1/151,425 individuals who underwent multi-gene germline genetic testing and classified as a variant of uncertain significance by the authors (Clark DF et al. Genet Med, 2020 May;22:840-846). This amino acid position is highly conserved in available vertebrate species. In addition, the in silico prediction for this alteration is inconclusive. The evidence for this gene-disease relationship is limited; therefore, the clinical significance of this alteration is unclear.

GeneDx
Classification: Uncertain significance. Last evaluated: 2023-03-17. Review status: criteria provided, single submitter. Criteria: GeneDx Variant Classification Process June 2021. Collection method: clinical testing. Allele origin: germline. Affected: yes.
Comment: Not observed at significant frequency in large population cohorts (gnomAD); In silico analysis supports that this missense variant does not alter protein structure/function; Observed in individual(s) with gastric or breast cancer (Clark et al., 2020); This variant is associated with the following publications: (PMID: 32051609)

Literature cited by the submitters: PubMed 32051609 (cited by Ambry Genetics).

NM_001903.5(CTNNA1):c.703G>T (p.Ala235Ser)

Gene: CTNNA1 (catenin alpha 1; plus strand). Cytogenetic location: 5q31.2.
Variant type: single nucleotide variant.
Coding change: c.703G>T on transcript NM_001903.5 (MANE Select); coding-DNA position 703, G replaced by T.
Protein change: p.Ala235Ser; replaces alanine 235 with serine.
Molecular consequence: missense variant.
Genome position (GRCh38, 1-based): chr5:138,824,644, G>T. VCF-style: chr5-138824644-G-T. GRCh37 (hg19) VCF-style: chr5-138160333-G-T.
Other names: c.703G>T, p.Ala235Ser (NM_001290307.3, NM_001323982.2, NM_001323983.1 and 3 more transcripts); c.394G>T, p.Ala132Ser (NM_001290309.3); c.334G>T, p.Ala112Ser (NM_001290310.3); short protein forms A112S, A132S, A235S.
Identifiers: ClinVar variation 651110 (VCV000651110.13), dbSNP rs548392885, ClinGen allele CA361129781.